The following is an entry in ClinVar:

NM_003000.3(SDHB):c.725G>T (p.Arg242Leu)

Gene: SDHB (succinate dehydrogenase complex iron sulfur subunit B; minus strand). Cytogenetic location: 1p36.13.
Variant type: single nucleotide variant.
Coding change: c.725G>T on transcript NM_003000.3 (MANE Select); coding-DNA position 725, G replaced by T.
Protein change: p.Arg242Leu; replaces arginine 242 with leucine.
Molecular consequence: missense variant.
Genome position (GRCh38, 1-based): chr1:17,022,648, C>A on the plus strand (G>T on the coding strand, the complement: SDHB is on the minus strand). VCF-style: chr1-17022648-C-A. GRCh37 (hg19) VCF-style: chr1-17349143-C-A.
Other names: c.671G>T, p.Arg224Leu (NM_001407361.1); short protein forms R224L, R242L.
Identifiers: ClinVar variation 3223020 (VCV003223020.2), dbSNP rs74315368, ClinGen allele CA338270189.

ClinVar aggregate classification (germline): Uncertain significance (1 of 4 stars; one submission).

Conditions:
Hereditary cancer-predisposing syndrome. Also called: Neoplastic Syndromes, Hereditary; Tumor predisposition; Hereditary Cancer Syndrome; Hereditary neoplastic syndrome. Identifiers: Orphanet 140162, MedGen C0027672, MeSH D009386, MONDO:0015356.

Submission:

Ambry Genetics
Classification: Uncertain significance for Hereditary cancer-predisposing syndrome. Last evaluated: 2026-04-17. Review status: criteria provided, single submitter. Criteria: Ambry Variant Classification Scheme 2023. Collection method: clinical testing. Allele origin: germline.
Comment: The p.R242L variant (also known as c.725G>T), located in coding exon 7 of the SDHB gene, results from a G to T substitution at nucleotide position 725. The arginine at codon 242 is replaced by leucine, an amino acid with dissimilar properties. Based on internal structural analysis, R242L disrupts a conserved LYR motif responsible for iron cluster recruitment, which is also disrupted by other internally pathogenic variants (Zhou Q et al. Protein Cell, 2011 Jul;2:531-42; Maio N et al. Cell Metab, 2014 Mar;19:445-57; Saxena N et al. J Natl Cancer Inst, 2016 Jan;108; Maio N et al. Cell Metab, 2016 Feb;23:292-302). This amino acid position is highly conserved in available vertebrate species. In addition, this alteration is predicted to be deleterious by in silico analysis. Based on the available evidence, the clinical significance of this variant remains unclear.

Literature cited by the submitters: PubMed 21822798; PubMed 24606901; PubMed 26719882; PubMed 26749241.